The following is an entry in ClinVar:

ClinVar aggregate classification (germline): Uncertain significance (1 of 4 stars; one submission).

Conditions:
Cardiovascular phenotype. Identifiers: MedGen CN230736.

Submission:

Ambry Genetics
Classification: Uncertain significance for Cardiovascular phenotype. Last evaluated: 2025-07-24. Review status: criteria provided, single submitter. Criteria: Ambry Variant Classification Scheme 2023. Collection method: clinical testing. Allele origin: germline.
Comment: The c.3060+2T>C intronic variant results from a T to C substitution two nucleotides after coding exon 24 of the RASA1 gene. This nucleotide position is highly conserved in available vertebrate species. In silico splice site analysis predicts that this alteration will weaken the native splice donor site. Alterations that disrupt the canonical splice site are expected to cause aberrant splicing, resulting in an abnormal protein or a transcript that is subject to nonsense-mediated mRNA decay; however, +2T>C alterations are capable of generating wild-type transcripts in some genomic contexts and should be interpreted with caution (Lin JH et al. Hum Mutat. 2019 10;40:1856-1873). Based on the available evidence, the clinical significance of this alteration remains unclear.

NM_002890.3(RASA1):c.3060+2T>C

Genes: CCNH (cyclin H; minus strand), RASA1 (RAS p21 protein activator 1; plus strand). Cytogenetic location: 5q14.3.
Variant type: single nucleotide variant.
Coding change: c.3060+2T>C on transcript NM_002890.3 (MANE Select); the canonical splice donor site of the intron after coding-DNA position 3060, T replaced by C.
Molecular consequence: splice donor variant. On other transcripts: intron variant (1).
Genome position (GRCh38, 1-based): chr5:87,389,529, T>C. VCF-style: chr5-87389529-T-C. GRCh37 (hg19) VCF-style: chr5-86685346-T-C.
Other names: c.2529+2T>C (NM_022650.3); c.933+5515A>G (NM_001364075.2).
Identifiers: ClinVar variation 4150718 (VCV004150718.1).